The following is an entry in ClinVar:

NC_000016.10:g.(?_89693)_(100529_?)del

Gene: NPRL3 (NPR3 like, GATOR1 complex subunit; minus strand). Cytogenetic location: 16p13.3.
Variant type: Deletion.
Identifiers: ClinVar variation 832843 (VCV000832843.6).

ClinVar aggregate classification (germline): Pathogenic (1 of 4 stars; one submission).

Conditions:
Epilepsy, familial focal, with variable foci 3 (FFEVF3). Identifiers: MedGen C4310708, MONDO:0014925, OMIM 617118.

Submission:

Labcorp Genetics (formerly Invitae), Labcorp
Classification: Pathogenic for Epilepsy, familial focal, with variable foci 3. Last evaluated: 2023-11-15. Review status: criteria provided, single submitter. Criteria: Invitae Variant Classification Sherloc (09022015). Collection method: clinical testing. Allele origin: germline.
Comment: This variant is a gross deletion of the genomic region encompassing exon(s) 8-12 of the NPRL3 gene. This deletion is out-of-frame, and is expected to create a premature termination codon and result in an absent or disrupted protein product. Loss-of-function variants in NPRL3 are known to be pathogenic (PMID: 26285051, 26505888). This variant has not been reported in the literature in individuals affected with NPRL3-related conditions. For these reasons, this variant has been classified as Pathogenic.

Literature cited by the submitters: PubMed 26285051; PubMed 26505888.